The following is an entry in ClinVar:

ClinVar aggregate classification (germline): Uncertain significance (1 of 4 stars; one submission).

gnomAD v4.1: 2 of 1,611,562 alleles (0.00012%); highest among the groups gnomAD compares: African/African-American, 0.0027%; no homozygotes.

Submission:

GeneDx
Classification: Uncertain significance. Last evaluated: 2024-05-10. Review status: criteria provided, single submitter. Criteria: GeneDx Variant Classification Process June 2021. Collection method: clinical testing. Allele origin: germline. Affected: yes.
Comment: Not observed at significant frequency in large population cohorts (gnomAD); In silico analysis supports a deleterious effect on splicing; Has not been previously published as pathogenic or benign to our knowledge

NM_002495.4(NDUFS4):c.99-3C>A

Gene: NDUFS4 (NADH:ubiquinone oxidoreductase subunit S4; plus strand). Cytogenetic location: 5q11.2.
Variant type: single nucleotide variant.
Coding change: c.99-3C>A on transcript NM_002495.4 (MANE Select); 3 bases into the intron before coding-DNA position 99, C replaced by A.
Molecular consequence: intron variant.
Genome position (GRCh38, 1-based): chr5:53,603,449, C>A. VCF-style: chr5-53603449-C-A. GRCh37 (hg19) VCF-style: chr5-52899279-C-A.
Other names: c.99-3C>A (NM_001318051.2).
Identifiers: ClinVar variation 3375621 (VCV003375621.1).